The following is an entry in ClinVar:

ClinVar aggregate classification (germline): Uncertain significance (1 of 4 stars; one submission).

Submission:

GeneDx
Classification: Uncertain significance. Last evaluated: 2025-06-18. Review status: criteria provided, single submitter. Criteria: GeneDx Variant Classification Process June 2021. Collection method: clinical testing. Allele origin: germline. Affected: yes.
Comment: Not observed at significant frequency in large population cohorts (gnomAD); In-frame duplication of 2 amino acid(s) in a non-repeat region; Has not been previously published as pathogenic or benign to our knowledge

NM_001170629.2(CHD8):c.7481ACC[7] (p.His2498_Pro2499insHisHis)

Gene: CHD8 (chromodomain helicase DNA binding protein 8; minus strand). Cytogenetic location: 14q11.2.
Variant type: Microsatellite.
Coding change: c.7481ACC[7] on transcript NM_001170629.2 (MANE Select); seven copies in a row of the 3-base unit ACC starting at c.7481; the reference has five copies in a row; two copies, 6 bases duplicated.
Protein change: p.His2498_Pro2499insHisHis.
Genome position (GRCh38, 1-based): chr14:21,385,864-21,385,869, GGTGGT duplicated on the plus strand (ACCACC on the coding strand, the reverse complement: CHD8 is on the minus strand); duplicating any 6 consecutive bases within chr14:21,385,864-21,385,879 gives the same sequence; the position shown is the placement nearest the transcript's 3' end. VCF-style (leftmost placement, unchanged base first): chr14-21385863-G-GGGTGGT. GRCh37 (hg19) VCF-style: chr14-21854022-G-GGGTGGT.
Other names: c.6644ACC[7], p.His2219_Pro2220insHisHis (NM_020920.4).
Identifiers: ClinVar variation 4538699 (VCV004538699.1).